The following is an entry in ClinVar:

NM_003072.5(SMARCA4):c.4559G>A (p.Arg1520His)

Gene: SMARCA4 (SWI/SNF related BAF chromatin remodeling complex subunit ATPase 4; plus strand). Cytogenetic location: 19p13.2.
Variant type: single nucleotide variant.
Coding change: c.4559G>A on transcript NM_003072.5 (MANE Select); coding-DNA position 4559, G replaced by A.
Protein change: p.Arg1520His; replaces arginine 1520 with histidine.
Molecular consequence: missense variant. On other transcripts: non-coding transcript variant (1).
Genome position (GRCh38, 1-based): chr19:11,058,813, G>A. VCF-style: chr19-11058813-G-A. GRCh37 (hg19) VCF-style: chr19-11169489-G-A.
Other names: c.4559G>A, p.Arg1520His (NM_001128844.3); c.4469G>A, p.Arg1490His (NM_001128845.2); c.4466G>A, p.Arg1489His (NM_001128846.2); c.4460G>A, p.Arg1487His (NM_001128847.4, NM_001374457.1); c.4457G>A, p.Arg1486His (NM_001128848.2); c.4655G>A, p.Arg1552His (NM_001128849.3); short protein forms R1486H, R1552H, R1487H, R1489H, R1520H, R1490H.
Identifiers: ClinVar variation 825074 (VCV000825074.13), dbSNP rs1600635365, ClinGen allele CA404078768.

ClinVar aggregate classification (germline): Uncertain significance. Review status: criteria provided, multiple submitters, no conflicts (2 of 4 stars). 2 submissions from 2 submitters: Uncertain significance (2). Last evaluated 2025-07-02.

Conditions:
Hereditary cancer-predisposing syndrome. Also called: Neoplastic Syndromes, Hereditary; Tumor predisposition; Hereditary neoplastic syndrome; Hereditary Cancer Syndrome. Identifiers: Orphanet 140162, MedGen C0027672, MeSH D009386, MONDO:0015356.
Rhabdoid tumor predisposition syndrome 2 (RTPS2). Identifiers: Orphanet 231108, Orphanet 69077, MedGen C2750074, MONDO:0013224, OMIM 613325.

Submissions (2):

Labcorp Genetics (formerly Invitae), Labcorp
Classification: Uncertain significance for Rhabdoid tumor predisposition syndrome 2. Last evaluated: 2025-07-02. Review status: criteria provided, single submitter. Criteria: Invitae Variant Classification Sherloc (09022015). Collection method: clinical testing. Allele origin: germline.
Comment: This sequence change replaces arginine, which is basic and polar, with histidine, which is basic and polar, at codon 1552 of the SMARCA4 protein (p.Arg1552His). This variant is not present in population databases (gnomAD no frequency). This variant has not been reported in the literature in individuals affected with SMARCA4-related conditions. ClinVar contains an entry for this variant (Variation ID: 825074). Invitae Evidence Modeling of protein sequence and biophysical properties (such as structural, functional, and spatial information, amino acid conservation, physicochemical variation, residue mobility, and thermodynamic stability) indicates that this missense variant is expected to disrupt SMARCA4 protein function with a positive predictive value of 95%. In summary, the available evidence is currently insufficient to determine the role of this variant in disease. Therefore, it has been classified as a Variant of Uncertain Significance.

Ambry Genetics
Classification: Uncertain significance for Hereditary cancer-predisposing syndrome. Last evaluated: 2024-04-01. Review status: criteria provided, single submitter. Criteria: Ambry Variant Classification Scheme 2023. Collection method: clinical testing. Allele origin: germline.
Comment: The p.R1552H variant (also known as c.4655G>A), located in coding exon 32 of the SMARCA4 gene, results from a G to A substitution at nucleotide position 4655. The arginine at codon 1552 is replaced by histidine, an amino acid with highly similar properties. This amino acid position is highly conserved in available vertebrate species. In addition, the in silico prediction for this alteration is inconclusive. Based on the available evidence, the clinical significance of this alteration remains unclear.